The following is an entry in ClinVar:

ClinVar aggregate classification (germline): Pathogenic/Likely pathogenic. Review status: criteria provided, multiple submitters, no conflicts (2 of 4 stars). 5 submissions from 5 submitters: Pathogenic (4); Likely pathogenic (1). Last evaluated 2025-10-09.

Conditions:
Hepatic methionine adenosyltransferase deficiency. Also called: Methionine adenosyltransferase deficiency; Isolated Persistent Hypermethioninemia; Deficiency of methionine adenosyltransferase; MAT I/III DEFICIENCY. Identifiers: Orphanet 168598, MedGen C0268621, MeSH C564683, MONDO:0009607, OMIM 250850.

Allele frequency attached by ClinVar (database versions not stated): gnomAD exomes 0.00001 and 0.00003; gnomAD 0.00002 and 0.00003; ExAC 0.00003; TOPMed 0.00003; ESP Exome Variant Server 0.00008.
gnomAD v4.1: 10 of 1,579,206 alleles (0.00063%); highest among the groups gnomAD compares: East Asian, 0.0094%; no homozygotes.

Submissions (5):

Labcorp Genetics (formerly Invitae), Labcorp
Classification: Pathogenic for Hepatic methionine adenosyltransferase deficiency. Last evaluated: 2025-10-09. Review status: criteria provided, single submitter. Criteria: Invitae Variant Classification Sherloc (09022015). Collection method: clinical testing. Allele origin: germline.
Comment: This sequence change replaces arginine, which is basic and polar, with cysteine, which is neutral and slightly polar, at codon 299 of the MAT1A protein (p.Arg299Cys). The frequency data for this variant in the population databases is considered unreliable, as metrics indicate poor data quality at this position in the gnomAD database. This missense change has been observed in individuals with autosomal recessive hypermethioninemia (PMID: 20675163, 26933843). This variant has been reported in individual(s) with clinical features of autosomal dominant hypermethioninemia (PMID: 36246604); however, the role of the variant in this condition is currently unclear. ClinVar contains an entry for this variant (Variation ID: 418870). Invitae Evidence Modeling of protein sequence and biophysical properties (such as structural, functional, and spatial information, amino acid conservation, physicochemical variation, residue mobility, and thermodynamic stability) indicates that this missense variant is expected to disrupt MAT1A protein function with a positive predictive value of 80%. Experimental studies have shown that this missense change affects MAT1A function (PMID: 20675163). This variant disrupts the p.Arg299 amino acid residue in MAT1A. Other variant(s) that disrupt this residue have been determined to be pathogenic (PMID: 20675163, 32496220). This suggests that this residue is clinically significant, and that variants that disrupt this residue are likely to be disease-causing. For these reasons, this variant has been classified as Pathogenic.

Laboratory for Molecular Medicine, Mass General Brigham Personalized Medicine
Classification: Likely pathogenic for Hepatic methionine adenosyltransferase deficiency. Last evaluated: 2023-10-09. Review status: criteria provided, single submitter. Criteria: ACMG Guidelines, 2015. Collection method: clinical testing. Allele origin: germline. Inheritance: Autosomal recessive inheritance.
Comment: The p.Arg299Cys variant in MAT1A has been reported in the homozygous state in 1 individual and in the compound heterozygote state in 4 individuals with hypermethioninemia and segregated with disease in 1 affected relative from 1 family (Fernandez-Irigoyen 2010 PMID: 20675163, Kim 2016 PMID: 26933843, Zhao 2022 PMID: 35760084). This variant has also been reported by other clinical laboratories in ClinVar (Variation ID 418870) and has also been identified in 0.007% (3/41418) of African chromosomes by gnomAD (v.3.1.2). In vitro functional studies provide some evidence that this variant significantly decreases methionine adenosyltransferase enzyme activity by ~80% compared to wildtype (Fernandez-Irigoyen 2010 PMID: 20675163) and computational prediction tools and conservation analyses are consistent with pathogenicity. In summary, although additional studies are required to fully establish its clinical significance, this variant meets criteria to be classified as likely pathogenic for autosomal recessive hypermethioninemia due to methionine adenosyltransferase deficiency. ACMG/AMP Criteria applied: PM3, PS3_Supporting, PP3, PM2_Supporting, PP4.

Fulgent Genetics
Classification: Pathogenic for Hepatic methionine adenosyltransferase deficiency. Last evaluated: 2018-10-31. Review status: criteria provided, single submitter. Criteria: ACMG Guidelines, 2015. Collection method: clinical testing. Allele origin: unknown.

GeneDx
Classification: Pathogenic. Last evaluated: 2016-06-03. Review status: criteria provided, single submitter. Criteria: GeneDx Variant Classification (06012015). Collection method: clinical testing. Allele origin: germline. Affected: yes.
Comment: The R299C missense variant in the MAT1A gene has been reported previously inassociation with methionine adenosyltransferase I/III (MAT I/III) deficiency in a patient whowas homozygous for this variant (Fernandez-Irigoyen et al., 2010). Functional studiesfound that R299C results in low activities of both methionine adenosyltransferase andtripolyphosphatase (Fernandez-Irigoyen et al., 2010). The R219H variant has not been published as apathogenic variant, nor has it been reported as a benign variant to our knowledge. The R219H variantis a conservative amino acid substitution, which is not likely to impact secondary protein structure asthese residues share similar properties. This substitution occurs at a position that is conserved inmammals. In silico analysis is inconsistent in its predictions as to whether or not the variant isdamaging to the protein structure/function. Therefore, we interpret R299C as a pathogenic variant.

Juno Genomics, Hangzhou Juno Genomics, Inc
Classification: Pathogenic for Hepatic methionine adenosyltransferase deficiency. Review status: criteria provided, single submitter. Criteria: ACMG Guidelines, 2015. Collection method: clinical testing. Allele origin: germline.
Comment: Absent from controls (or at extremely low frequency if recessive) in Genome Aggregation Database.;Multiple lines of computational evidence support a deleterious effect on the gene or gene product.;For recessive disorders, detected in trans with a pathogenic variant.;Patient's phenotype or family history is highly specific for a disease with a single genetic etiology.

Literature cited by the submitters: PubMed 20675163 (cited by Labcorp Genetics (formerly Invitae), Labcorp and Laboratory for Molecular Medicine, Mass General Brigham Personalized Medicine); PubMed 26933843 (cited by Labcorp Genetics (formerly Invitae), Labcorp and Laboratory for Molecular Medicine, Mass General Brigham Personalized Medicine); PubMed 36246604 (cited by Labcorp Genetics (formerly Invitae), Labcorp); PubMed 32496220 (cited by Labcorp Genetics (formerly Invitae), Labcorp); PubMed 35760084 (cited by Laboratory for Molecular Medicine, Mass General Brigham Personalized Medicine).

NM_000429.3(MAT1A):c.895C>T (p.Arg299Cys)

Gene: MAT1A (methionine adenosyltransferase 1A; minus strand). Cytogenetic location: 10q22.3.
Variant type: single nucleotide variant.
Coding change: c.895C>T on transcript NM_000429.3 (MANE Select); coding-DNA position 895, C replaced by T.
Protein change: p.Arg299Cys; replaces arginine 299 with cysteine.
Molecular consequence: missense variant.
Genome position (GRCh38, 1-based): chr10:80,275,073, G>A on the plus strand (C>T on the coding strand, the complement: MAT1A is on the minus strand). VCF-style: chr10-80275073-G-A. GRCh37 (hg19) VCF-style: chr10-82034829-G-A.
Other names: short protein forms R299C.
Identifiers: ClinVar variation 418870 (VCV000418870.12), dbSNP rs376993881, ClinGen allele CA5576673.